The following is an entry in ClinVar:

ClinVar aggregate classification (germline): Uncertain significance. Review status: criteria provided, multiple submitters, no conflicts (2 of 4 stars). 2 submissions from 2 submitters: Uncertain significance (2). Last evaluated 2025-10-31.

Conditions:
Neurofibromatosis, type 2 (SWNV). Also called: SCHWANNOMATOSIS, VESTIBULAR; BILATERAL ACOUSTIC NEUROFIBROMATOSIS; NF2-Related Schwannomatosis. Identifiers: Orphanet 637, MedGen C0027832, MONDO:0007039, OMIM 101000. Disease mechanism: loss of function.
Hereditary cancer-predisposing syndrome. Also called: Hereditary Cancer Syndrome; Hereditary neoplastic syndrome; Neoplastic Syndromes, Hereditary; Tumor predisposition. Identifiers: Orphanet 140162, MedGen C0027672, MeSH D009386, MONDO:0015356.

Allele frequency attached by ClinVar (database versions not stated): TOPMed below 0.00001.
gnomAD v4.1: 1 of 1,607,680 alleles (0.000062%); highest among the groups gnomAD compares: Admixed American, 0.0017%; no homozygotes.

Submissions (2):

Ambry Genetics
Classification: Uncertain significance for Hereditary cancer-predisposing syndrome. Last evaluated: 2025-10-31. Review status: criteria provided, single submitter. Criteria: Ambry Variant Classification Scheme 2023. Collection method: clinical testing. Allele origin: germline.
Comment: The p.V27F variant (also known as c.79G>T), located in coding exon 1 of the NF2 gene, results from a G to T substitution at nucleotide position 79. The valine at codon 27 is replaced by phenylalanine, an amino acid with highly similar properties. This amino acid position is conserved. In addition, the in silico prediction for this alteration is inconclusive. Based on the available evidence, the clinical significance of this variant remains unclear.

Labcorp Genetics (formerly Invitae), Labcorp
Classification: Uncertain significance for Neurofibromatosis, type 2. Last evaluated: 2023-03-18. Review status: criteria provided, single submitter. Criteria: Invitae Variant Classification Sherloc (09022015). Collection method: clinical testing. Allele origin: germline.
Comment: Advanced modeling of protein sequence and biophysical properties (such as structural, functional, and spatial information, amino acid conservation, physicochemical variation, residue mobility, and thermodynamic stability) performed at Invitae indicates that this missense variant is not expected to disrupt NF2 protein function. In summary, the available evidence is currently insufficient to determine the role of this variant in disease. Therefore, it has been classified as a Variant of Uncertain Significance. This variant has not been reported in the literature in individuals affected with NF2-related conditions. The frequency data for this variant in the population databases is considered unreliable, as metrics indicate poor data quality at this position in the gnomAD database. This sequence change replaces valine, which is neutral and non-polar, with phenylalanine, which is neutral and non-polar, at codon 27 of the NF2 protein (p.Val27Phe).

NM_000268.4(NF2):c.79G>T (p.Val27Phe)

Gene: NF2 (NF2, moesin-ezrin-radixin like (MERLIN) tumor suppressor; plus strand). Cytogenetic location: 22q12.2.
Variant type: single nucleotide variant.
Coding change: c.79G>T on transcript NM_000268.4 (MANE Select); coding-DNA position 79, G replaced by T.
Protein change: p.Val27Phe; replaces valine 27 with phenylalanine.
Molecular consequence: missense variant. On other transcripts: 5 prime UTR variant (4), non-coding transcript variant (1).
Genome position (GRCh38, 1-based): chr22:29,604,077, G>T. VCF-style: chr22-29604077-G-T. GRCh37 (hg19) VCF-style: chr22-30000066-G-T.
Other names: c.-152G>T (NM_001407053.1, NM_001407056.1); c.79G>T, p.Val27Phe (NM_001407054.1, NM_001407055.1, NM_001407057.1 and 15 more transcripts); c.-562G>T (NM_001407065.1); c.-178G>T (NM_001407067.1); short protein forms V27F.
Identifiers: ClinVar variation 2741544 (VCV002741544.4), dbSNP rs965231734, ClinGen allele CA323099729.